The following is an entry in ClinVar:

ClinVar aggregate classification (germline): Uncertain significance (1 of 4 stars; one submission).

Conditions:
Joubert syndrome 21 (JBTS21). Identifiers: MedGen C3810212, MONDO:0014288, OMIM 615636.

Submission:

Labcorp Genetics (formerly Invitae), Labcorp
Classification: Uncertain significance for Joubert syndrome 21. Last evaluated: 2022-04-10. Review status: criteria provided, single submitter. Criteria: Invitae Variant Classification Sherloc (09022015). Collection method: clinical testing. Allele origin: germline.
Comment: This variant is not present in population databases (gnomAD no frequency). This variant has not been reported in the literature in individuals affected with CSPP1-related conditions. Algorithms developed to predict the effect of missense changes on protein structure and function are either unavailable or do not agree on the potential impact of this missense change (SIFT: "Deleterious"; PolyPhen-2: "Possibly Damaging"; Align-GVGD: "Class C0"). In summary, the available evidence is currently insufficient to determine the role of this variant in disease. Therefore, it has been classified as a Variant of Uncertain Significance. This sequence change replaces aspartic acid, which is acidic and polar, with alanine, which is neutral and non-polar, at codon 1128 of the CSPP1 protein (p.Asp1128Ala).

NM_001382391.1(CSPP1):c.3398A>C (p.Asp1133Ala)

Genes: ARFGEF1 (ARF guanine nucleotide exchange factor 1; minus strand), CSPP1 (centrosome and spindle pole associated protein 1; plus strand). Cytogenetic location: 8q13.2.
Variant type: single nucleotide variant.
Coding change: c.3398A>C on transcript NM_001382391.1 (MANE Select); coding-DNA position 3398, A replaced by C.
Protein change: p.Asp1133Ala; replaces aspartic acid 1133 with alanine.
Molecular consequence: missense variant. On other transcripts: intron variant (3).
Genome position (GRCh38, 1-based): chr8:67,193,531, A>C. VCF-style: chr8-67193531-A-C. GRCh37 (hg19) VCF-style: chr8-68105766-A-C.
Other names: c.3383A>C, p.Asp1128Ala (NM_024790.7); c.3316-1851A>C (NM_001438331.1); c.5367+6865T>G (NM_001413186.1); c.5385+6865T>G (NM_001413187.1); c.3122A>C, p.Asp1041Ala (NM_001363133.2); c.3464A>C, p.Asp1155Ala (NM_001364869.1); c.3284A>C, p.Asp1095Ala (NM_001364870.1); c.3230A>C, p.Asp1077Ala (NM_001438330.1); and 4 more; short protein forms D1128A, D783A, D1133A, D1155A, D1068A, D1095A, D1041A, D1106A.
Identifiers: ClinVar variation 2099838 (VCV002099838.4), dbSNP rs2491006116, ClinGen allele CA371203056.
Genomic context (GRCh38, chr8:67,193,531, plus strand): 5'-GTCGTCCTAATGTAGCACCAGATGGTCTCTCTCTAAAATCTATATCCAGTGTAAATGTTG[A>C]TGAGCTTAGAGTGAGAAATGAGGAACGAATGCGAAGACTGAATGAATTTCACAATAAACC-3'
Protein context (NP_001369320.1, residues 1123-1143): SLKSISSVNV[Asp1133Ala]ELRVRNEERM